The following is an entry in ClinVar:

ClinVar aggregate classification (germline): Uncertain significance. Review status: criteria provided, multiple submitters, no conflicts (2 of 4 stars). 6 submissions from 6 submitters: Uncertain significance (6). Last evaluated 2026-09-06.

Conditions:
Inborn genetic diseases. Identifiers: MedGen C0950123, MeSH D030342.
Developmental and epileptic encephalopathy, 23 (DEE23). Also called: Epileptic encephalopathy, early infantile, 23. Identifiers: Orphanet 411986, MedGen C4014492, MONDO:0014371, OMIM 615859.

Allele frequency attached by ClinVar (database versions not stated): ExAC 0.00007; gnomAD exomes 0.00010; gnomAD 0.00019 and 0.00021; TOPMed 0.00043.
gnomAD v4.1: 95 of 1,598,360 alleles (0.0059%); highest among the groups gnomAD compares: Admixed American, 0.087%; no homozygotes.

Submissions (6):

GeneDx
Classification: Uncertain significance. Last evaluated: 2026-09-06. Review status: criteria provided, single submitter. Criteria: GeneDx Variant Classification Process June 2021. Collection method: clinical testing. Allele origin: germline.
Comment: In silico analysis supports that this missense variant has a deleterious effect on protein structure/function; Has not been previously published as pathogenic or benign to our knowledge

Ambry Genetics
Classification: Uncertain significance for Inborn genetic diseases. Last evaluated: 2025-08-07. Review status: criteria provided, single submitter. Criteria: Ambry Variant Classification Scheme 2023. Collection method: clinical testing. Allele origin: germline.

Labcorp Genetics (formerly Invitae), Labcorp
Classification: Uncertain significance for Developmental and epileptic encephalopathy, 23. Last evaluated: 2024-01-15. Review status: criteria provided, single submitter. Criteria: Invitae Variant Classification Sherloc (09022015). Collection method: clinical testing. Allele origin: germline.
Comment: This sequence change replaces arginine, which is basic and polar, with cysteine, which is neutral and slightly polar, at codon 978 of the DOCK7 protein (p.Arg978Cys). This variant is present in population databases (rs750049987, gnomAD 0.06%). This variant has not been reported in the literature in individuals affected with DOCK7-related conditions. ClinVar contains an entry for this variant (Variation ID: 568545). Advanced modeling of protein sequence and biophysical properties (such as structural, functional, and spatial information, amino acid conservation, physicochemical variation, residue mobility, and thermodynamic stability) has been performed at Invitae for this missense variant, however the output from this modeling did not meet the statistical confidence thresholds required to predict the impact of this variant on DOCK7 protein function. In summary, the available evidence is currently insufficient to determine the role of this variant in disease. Therefore, it has been classified as a Variant of Uncertain Significance.

Genome-Nilou Lab
Classification: Uncertain significance for Developmental and epileptic encephalopathy, 23. Last evaluated: 2023-04-11. Review status: criteria provided, single submitter. Criteria: ACMG Guidelines, 2015. Collection method: clinical testing. Allele origin: germline. Affected: no.

Mayo Clinic Laboratories, Mayo Clinic
Classification: Uncertain significance. Last evaluated: 2022-05-13. Review status: criteria provided, single submitter. Criteria: ACMG Guidelines, 2015. Collection method: clinical testing. Allele origin: germline. Observed: 1 variant allele.
Comment: PP2, PM2

Fulgent Genetics
Classification: Uncertain significance for Developmental and epileptic encephalopathy, 23. Last evaluated: 2021-09-02. Review status: criteria provided, single submitter. Criteria: ACMG Guidelines, 2015. Collection method: clinical testing. Allele origin: unknown.

NM_001367561.1(DOCK7):c.2932C>T (p.Arg978Cys)

Gene: DOCK7 (dedicator of cytokinesis 7; minus strand). Cytogenetic location: 1p31.3.
Variant type: single nucleotide variant.
Coding change: c.2932C>T on transcript NM_001367561.1 (MANE Select); coding-DNA position 2932, C replaced by T.
Protein change: p.Arg978Cys; replaces arginine 978 with cysteine.
Molecular consequence: missense variant.
Genome position (GRCh38, 1-based): chr1:62,543,673, G>A on the plus strand (C>T on the coding strand, the complement: DOCK7 is on the minus strand). VCF-style: chr1-62543673-G-A. GRCh37 (hg19) VCF-style: chr1-63009344-G-A.
Other names: p.Arg978Cys; c.2839C>T (NM_033407.2); c.2932C>T, p.Arg978Cys (NM_001271999.2, NM_001330614.2); c.2839C>T, p.Arg947Cys (NM_001272000.2, NM_001272001.2, NM_033407.4); short protein forms R978C, R947C.
Identifiers: ClinVar variation 568545 (VCV000568545.19), dbSNP rs750049987, ClinGen allele CA886136.